The following is an entry in ClinVar:

NM_001903.5(CTNNA1):c.1101A>G (p.Ala367=)

Gene: CTNNA1 (catenin alpha 1; plus strand). Cytogenetic location: 5q31.2.
Variant type: single nucleotide variant.
Coding change: c.1101A>G on transcript NM_001903.5 (MANE Select); coding-DNA position 1101, A replaced by G.
Protein change: p.Ala367=; no amino-acid change (alanine 367 retained).
Molecular consequence: synonymous variant. On other transcripts: 5 prime UTR variant (26), intron variant (2).
Genome position (GRCh38, 1-based): chr5:138,886,250, A>G. VCF-style: chr5-138886250-A-G. GRCh37 (hg19) VCF-style: chr5-138221939-A-G.
Other names: c.-10A>G (NM_001323999.1, NM_001324000.1, NM_001324001.1 and 18 more transcripts); c.-407A>G (NM_001324006.1, NM_001324007.1, NM_001324008.1 and 1 more transcripts); c.1101A>G, p.Ala367= (NM_001323983.1, NM_001323984.2, NM_001323985.2 and 3 more transcripts); c.792A>G, p.Ala264= (NM_001290309.3); c.732A>G, p.Ala244= (NM_001290310.3); c.-282A>G (NM_001324013.1); c.-58+10653A>G (NM_001324012.1); c.-61+10653A>G (NM_001324010.1).
Identifiers: ClinVar variation 1130096 (VCV001130096.12), dbSNP rs2150024228, ClinGen allele CA446588970.

ClinVar aggregate classification (germline): Benign/Likely benign. Review status: criteria provided, multiple submitters, no conflicts (2 of 4 stars). 3 submissions from 3 submitters: Benign (1); Likely benign (2). Last evaluated 2026-01-18.

Conditions:
Hereditary diffuse gastric adenocarcinoma (HDGC). Also called: DIFFUSE GASTRIC AND LOBULAR BREAST CANCER SYNDROME. Identifiers: Orphanet 26106, MedGen C1708349, MONDO:0007648, OMIM 137215.
Hereditary cancer-predisposing syndrome. Also called: Neoplastic Syndromes, Hereditary; Tumor predisposition; Hereditary Cancer Syndrome; Hereditary neoplastic syndrome. Identifiers: Orphanet 140162, MedGen C0027672, MeSH D009386, MONDO:0015356.

gnomAD v4.1: 3 of 1,611,206 alleles (0.00019%); highest among the groups gnomAD compares: Non-Finnish European, 0.00017%; no homozygotes.

Submissions (3):

Labcorp Genetics (formerly Invitae), Labcorp
Classification: Likely benign. Last evaluated: 2026-01-18. Review status: criteria provided, single submitter. Criteria: Invitae Variant Classification Sherloc (09022015). Collection method: clinical testing. Allele origin: germline.

Myriad Genetics, Inc.
Classification: Benign for Hereditary diffuse gastric adenocarcinoma. Last evaluated: 2024-10-10. Review status: criteria provided, single submitter. Criteria: Myriad Autosomal Dominant, Autosomal Recessive and X-Linked Classification Criteria (2023). Collection method: clinical testing. Allele origin: unknown.
Comment: This variant is considered benign. This variant is a silent/synonymous amino acid change and it is not expected to impact splicing.

Ambry Genetics
Classification: Likely benign for Hereditary cancer-predisposing syndrome. Last evaluated: 2019-09-27. Review status: criteria provided, single submitter. Criteria: Ambry Variant Classification Scheme 2023. Collection method: clinical testing. Allele origin: germline.